The following is an entry in ClinVar:

NM_001271938.2(MEGF8):c.495G>C (p.Gly165=)

Gene: MEGF8 (multiple EGF like domains 8; plus strand). Cytogenetic location: 19q13.2.
Variant type: single nucleotide variant.
Coding change: c.495G>C on transcript NM_001271938.2 (MANE Select); coding-DNA position 495, G replaced by C.
Protein change: p.Gly165=; no amino-acid change (glycine 165 retained).
Molecular consequence: synonymous variant.
Genome position (GRCh38, 1-based): chr19:42,334,150, G>C. VCF-style: chr19-42334150-G-C. GRCh37 (hg19) VCF-style: chr19-42838302-G-C.
Other names: c.495G>C, p.Gly165= (NM_001410.3).
Identifiers: ClinVar variation 703327 (VCV000703327.27), dbSNP rs146885610, ClinGen allele CA9474184.

ClinVar aggregate classification (germline): Benign/Likely benign. Review status: criteria provided, multiple submitters, no conflicts (2 of 4 stars). 6 submissions from 6 submitters: Benign (1); Likely benign (5). Last evaluated 2026-07-01.

Conditions:
MEGF8-related disorder. Also called: MEGF8-related condition.
MEGF8-related Carpenter syndrome. Also called: Carpenter syndrome 2. Identifiers: Orphanet 65759, MedGen C3554247, MONDO:0013998, OMIM 614976.

Allele frequency attached by ClinVar (database versions not stated): ESP Exome Variant Server 0.00041; gnomAD 0.00066 and 0.00094; TOPMed 0.00068; 1000 Genomes Project 30x 0.00172; gnomAD exomes 0.00200; 1000 Genomes Project 0.00220; ExAC 0.00227.
gnomAD v4.1: 2,177 of 1,611,598 alleles (0.14%); highest among the groups gnomAD compares: South Asian, 0.97%; 13 homozygotes.

Submissions (6):

CeGaT Center for Human Genetics Tuebingen
Classification: Likely benign. Last evaluated: 2026-07-01. Review status: criteria provided, single submitter. Criteria: CeGaT Center For Human Genetics Tuebingen Variant Classification Criteria Version 2. Collection method: clinical testing. Allele origin: germline. Affected: yes. Observed: 2 variant alleles.
Comment: MEGF8: BP4, BP7

Labcorp Genetics (formerly Invitae), Labcorp
Classification: Benign for MEGF8-related Carpenter syndrome. Last evaluated: 2025-12-01. Review status: criteria provided, single submitter. Criteria: Invitae Variant Classification Sherloc (09022015). Collection method: clinical testing. Allele origin: germline.

PreventionGenetics, part of Exact Sciences
Classification: Likely benign for MEGF8-related condition. Last evaluated: 2024-11-20. Review status: criteria provided, single submitter. Criteria: ACMG Guidelines, 2015. Collection method: clinical testing. Allele origin: germline.
Comment: This variant is classified as likely benign based on ACMG/AMP sequence variant interpretation guidelines (Richards et al. 2015 PMID: 25741868, with internal and published modifications).

Blueprint Genetics
Classification: Likely benign. Last evaluated: 2024-11-18. Review status: criteria provided, single submitter. Criteria: ACMG Guidelines, 2015. Collection method: clinical testing. Allele origin: germline.

GeneDx
Classification: Likely benign. Last evaluated: 2021-10-24. Review status: criteria provided, single submitter. Criteria: GeneDx Variant Classification Process June 2021. Collection method: clinical testing. Allele origin: germline. Affected: yes.

Breakthrough Genomics
Classification: Likely benign. Review status: criteria provided, single submitter. Criteria: ACMG Guidelines, 2015. Collection method: not provided. Allele origin: germline. Inheritance: Autosomal recessive inheritance. Affected: yes.